The following is an entry in ClinVar:

ClinVar aggregate classification (germline): Benign/Likely benign. Review status: criteria provided, multiple submitters, no conflicts (2 of 4 stars). 6 submissions from 6 submitters: Benign (1); Likely benign (5). Last evaluated 2025-12-23.

Conditions:
Cardiovascular phenotype. Identifiers: MedGen CN230736.
Cardiomyopathy (CMYO). Also called: Cardiomyopathies. Identifiers: Orphanet 167848, MedGen C0878544, MONDO:0004994, HP:0001638. Inheritance: Various modes of inheritance.
Hypertrophic cardiomyopathy. Also called: HYPERTROPHIC MYOCARDIOPATHY. Identifiers: Orphanet 217569, MedGen C0007194, MeSH D002312, MONDO:0005045, HP:0001639.

Allele frequency attached by ClinVar (database versions not stated): gnomAD 0.00001; TOPMed 0.00001; ExAC 0.00002; gnomAD exomes 0.00003 and below 0.00001.

Submissions (6):

Labcorp Genetics (formerly Invitae), Labcorp
Classification: Likely benign for Hypertrophic cardiomyopathy. Last evaluated: 2025-12-23. Review status: criteria provided, single submitter. Criteria: Invitae Variant Classification Sherloc (09022015). Collection method: clinical testing. Allele origin: germline.

Blueprint Genetics
Classification: Likely benign. Last evaluated: 2024-03-26. Review status: criteria provided, single submitter. Criteria: ACMG Guidelines, 2015. Collection method: clinical testing. Allele origin: germline.

Ambry Genetics
Classification: Likely benign for Cardiovascular phenotype. Last evaluated: 2023-02-25. Review status: criteria provided, single submitter. Criteria: Ambry Variant Classification Scheme 2023. Collection method: clinical testing. Allele origin: germline.

CHEO Genetics Diagnostic Laboratory, Children's Hospital of Eastern Ontario
Classification: Likely benign for Cardiomyopathy. Last evaluated: 2022-02-18. Review status: criteria provided, single submitter. Criteria: ACMG Guidelines, 2015. Collection method: clinical testing. Allele origin: germline.

Color Diagnostics, LLC DBA Color Health
Classification: Likely benign for Cardiomyopathy. Last evaluated: 2018-11-27. Review status: criteria provided, single submitter. Criteria: ACMG Guidelines, 2015. Collection method: clinical testing. Allele origin: germline.

GeneDx
Classification: Benign. Last evaluated: 2014-10-03. Review status: criteria provided, single submitter. Criteria: GeneDx Variant Classification (06012015). Collection method: clinical testing. Allele origin: germline. Affected: yes.
Comment: This variant is considered likely benign or benign based on one or more of the following criteria: it is a conservative change, it occurs at a poorly conserved position in the protein, it is predicted to be benign by multiple in silico algorithms, and/or has population frequency not consistent with disease.

NM_000257.4(MYH7):c.5646C>T (p.Ala1882=)

Gene: MYH7 (myosin heavy chain 7; minus strand). Cytogenetic location: 14q11.2.
Variant type: single nucleotide variant.
Coding change: c.5646C>T on transcript NM_000257.4 (MANE Select); coding-DNA position 5646, C replaced by T.
Protein change: p.Ala1882=; no amino-acid change (alanine 1882 retained).
Molecular consequence: synonymous variant.
Genome position (GRCh38, 1-based): chr14:23,414,016, G>A on the plus strand (C>T on the coding strand, the complement: MYH7 is on the minus strand). VCF-style: chr14-23414016-G-A. GRCh37 (hg19) VCF-style: chr14-23883225-G-A.
Other names: p.A1882A:GCC>GCT; c.5646C>T (LRG_384t1).
Identifiers: ClinVar variation 181164 (VCV000181164.18), dbSNP rs730880726, ClinGen allele CA016323.